The following is an entry in ClinVar:

NM_000075.4(CDK4):c.141A>C (p.Gly47=)

Genes: CDK4 (cyclin dependent kinase 4; minus strand), LOC130008148 (ATAC-STARR-seq lymphoblastoid silent region 4588; plus strand). Cytogenetic location: 12q14.1.
Variant type: single nucleotide variant.
Coding change: c.141A>C on transcript NM_000075.4 (MANE Select); coding-DNA position 141, A replaced by C.
Protein change: p.Gly47=; no amino-acid change (glycine 47 retained).
Molecular consequence: synonymous variant.
Genome position (GRCh38, 1-based): chr12:57,751,577, T>G on the plus strand (A>C on the coding strand, the complement: CDK4 is on the minus strand). VCF-style: chr12-57751577-T-G. GRCh37 (hg19) VCF-style: chr12-58145360-T-G.
Identifiers: ClinVar variation 215629 (VCV000215629.24), dbSNP rs863224320, ClinGen allele CA337672.

ClinVar aggregate classification (germline): Benign/Likely benign. Review status: criteria provided, multiple submitters, no conflicts (2 of 4 stars). 5 submissions from 5 submitters: Benign (1); Likely benign (4). Last evaluated 2025-11-12.

Conditions:
Hereditary cancer-predisposing syndrome. Also called: Hereditary neoplastic syndrome; Neoplastic Syndromes, Hereditary; Tumor predisposition; Hereditary Cancer Syndrome. Identifiers: Orphanet 140162, MedGen C0027672, MeSH D009386, MONDO:0015356.
Familial melanoma. Also called: Hereditary melanoma; Hereditary cutaneous melanoma. Identifiers: Orphanet 618, MedGen C1512419, MONDO:0018961.
Melanoma, cutaneous malignant, susceptibility to, 3. Also called: Cutaneous malignant melanoma 3. Identifiers: Orphanet 618, MedGen C1836892, MONDO:0012183, OMIM 609048.

Allele frequency attached by ClinVar (database versions not stated): gnomAD exomes below 0.00001; gnomAD 0.00001; TOPMed 0.00001.
gnomAD v4.1: 8 of 1,613,864 alleles (0.0005%); highest among the groups gnomAD compares: African/African-American, 0.0013%; no homozygotes.

Submissions (5):

Labcorp Genetics (formerly Invitae), Labcorp
Classification: Likely benign for Familial melanoma. Last evaluated: 2025-11-12. Review status: criteria provided, single submitter. Criteria: Invitae Variant Classification Sherloc (09022015). Collection method: clinical testing. Allele origin: germline.

Center for Genomic Medicine, Rigshospitalet, Copenhagen University Hospital
Classification: Likely benign. Last evaluated: 2025-03-04. Review status: criteria provided, single submitter. Criteria: ACMG Guidelines, 2015. Collection method: clinical testing. Allele origin: germline.

Myriad Genetics, Inc.
Classification: Benign for Melanoma, cutaneous malignant, susceptibility to, 3. Last evaluated: 2024-09-24. Review status: criteria provided, single submitter. Criteria: Myriad Autosomal Dominant, Autosomal Recessive and X-Linked Classification Criteria (2023). Collection method: clinical testing. Allele origin: unknown.
Comment: This variant is considered benign. This variant is a silent/synonymous amino acid change and it is not expected to impact splicing.

Sema4
Classification: Likely benign for Hereditary cancer-predisposing syndrome. Last evaluated: 2021-07-14. Review status: criteria provided, single submitter. Criteria: Sema4 Curation Guidelines. Collection method: curation. Allele origin: germline.

Ambry Genetics
Classification: Likely benign for Hereditary cancer-predisposing syndrome. Last evaluated: 2019-05-23. Review status: criteria provided, single submitter. Criteria: Ambry Variant Classification Scheme 2023. Collection method: clinical testing. Allele origin: germline.